The following is an entry in ClinVar:

NM_016507.4(CDK12):c.635C>T (p.Thr212Ile)

Genes: CDK12 (cyclin dependent kinase 12; plus strand), LOC126862553 (CDK7 strongly-dependent group 2 enhancer GRCh37_chr17:37618166-37619365; plus strand). Cytogenetic location: 17q12.
Variant type: single nucleotide variant.
Coding change: c.635C>T on transcript NM_016507.4 (MANE Select); coding-DNA position 635, C replaced by T.
Protein change: p.Thr212Ile; replaces threonine 212 with isoleucine.
Molecular consequence: missense variant.
Genome position (GRCh38, 1-based): chr17:39,462,706, C>T. VCF-style: chr17-39462706-C-T. GRCh37 (hg19) VCF-style: chr17-37618959-C-T.
Other names: c.635C>T, p.Thr212Ile (NM_015083.4); short protein forms T212I.
Identifiers: ClinVar variation 3830649 (VCV003830649.1).

ClinVar aggregate classification (germline): Uncertain significance (1 of 4 stars; one submission).

Submission:

Ambry Genetics
Classification: Uncertain significance. Last evaluated: 2025-02-11. Review status: criteria provided, single submitter. Criteria: Ambry Variant Classification Scheme 2023. Collection method: clinical testing. Allele origin: germline.
Comment: The p.T212I variant (also known as c.635C>T), located in coding exon 1 of the CDK12 gene, results from a C to T substitution at nucleotide position 635. The threonine at codon 212 is replaced by isoleucine, an amino acid with similar properties. This amino acid position is conserved. In addition, this alteration is predicted to be tolerated by in silico analysis. Based on the available evidence, the clinical significance of this variant remains unclear.